The following is an entry in ClinVar:

ClinVar aggregate classification (germline): Uncertain significance (1 of 4 stars; one submission).

Allele frequency attached by ClinVar (database versions not stated): gnomAD exomes below 0.00001; ExAC 0.00001; gnomAD 0.00001; 1000 Genomes Project 30x 0.00016; 1000 Genomes Project 0.00020.

Submission:

Labcorp Genetics (formerly Invitae), Labcorp
Classification: Uncertain significance. Last evaluated: 2023-02-16. Review status: criteria provided, single submitter. Criteria: Invitae Variant Classification Sherloc (09022015). Collection method: clinical testing. Allele origin: germline.
Comment: This sequence change replaces valine, which is neutral and non-polar, with isoleucine, which is neutral and non-polar, at codon 276 of the POLD2 protein (p.Val276Ile). In summary, the available evidence is currently insufficient to determine the role of this variant in disease. Therefore, it has been classified as a Variant of Uncertain Significance. Experimental studies and prediction algorithms are not available or were not evaluated, and the functional significance of this variant is currently unknown. This variant has not been reported in the literature in individuals affected with POLD2-related conditions. This variant is present in population databases (rs570426911, gnomAD 0.003%).

NM_006230.4(POLD2):c.721G>A (p.Val241Ile)

Gene: POLD2 (DNA polymerase delta 2, accessory subunit; minus strand). Cytogenetic location: 7p13.
Variant type: single nucleotide variant.
Coding change: c.721G>A on transcript NM_006230.4 (MANE Select); coding-DNA position 721, G replaced by A.
Protein change: p.Val241Ile; replaces valine 241 with isoleucine.
Molecular consequence: missense variant.
Genome position (GRCh38, 1-based): chr7:44,116,876, C>T on the plus strand (G>A on the coding strand, the complement: POLD2 is on the minus strand). VCF-style: chr7-44116876-C-T. GRCh37 (hg19) VCF-style: chr7-44156475-C-T.
Other names: c.721G>A, p.Val241Ile (NM_001127218.3, NM_001256879.2); short protein forms V241I.
Identifiers: ClinVar variation 2785557 (VCV002785557.3), dbSNP rs570426911, ClinGen allele CA4238754.